The following is an entry in ClinVar:

NM_003433.4(ZNF132):c.1028G>A (p.Gly343Glu)

Genes: ZNF132 (zinc finger protein 132; minus strand), ZNF324B (zinc finger protein 324B; plus strand). Cytogenetic location: 19q13.43.
Variant type: single nucleotide variant.
Coding change: c.1028G>A on transcript NM_003433.4 (MANE Select); coding-DNA position 1028, G replaced by A.
Protein change: p.Gly343Glu; replaces glycine 343 with glutamic acid.
Molecular consequence: missense variant.
Genome position (GRCh38, 1-based): chr19:58,434,416, C>T on the plus strand (G>A on the coding strand, the complement: ZNF132 is on the minus strand). VCF-style: chr19-58434416-C-T. GRCh37 (hg19) VCF-style: chr19-58945783-C-T.
Other names: short protein forms G343E.
Identifiers: ClinVar variation 3765657 (VCV003765657.1).

ClinVar aggregate classification (germline): Uncertain significance (1 of 4 stars; one submission).

Submission:

Greenwood Genetic Center Diagnostic Laboratories, Greenwood Genetic Center
Classification: Uncertain significance. Last evaluated: 2024-09-21. Review status: criteria provided, single submitter. Criteria: ACMG Guidelines, 2015. Collection method: clinical testing. Allele origin: germline. Affected: yes.
Comment: Gene of Uncertain Significance